The following is an entry in ClinVar:

ClinVar aggregate classification (germline): Uncertain significance. Review status: criteria provided, multiple submitters, no conflicts (2 of 4 stars). 2 submissions from 2 submitters: Uncertain significance (2). Last evaluated 2025-01-14.

Conditions:
Inborn genetic diseases. Identifiers: MedGen C0950123, MeSH D030342.

Allele frequency attached by ClinVar (database versions not stated): gnomAD 0.00002.
gnomAD v4.1: 58 of 1,612,066 alleles (0.0036%); highest among the groups gnomAD compares: Non-Finnish European, 0.0044%; no homozygotes.

Submissions (2):

Ambry Genetics
Classification: Uncertain significance for Inborn genetic diseases. Last evaluated: 2025-01-14. Review status: criteria provided, single submitter. Criteria: Ambry Variant Classification Scheme 2023. Collection method: clinical testing. Allele origin: germline.

Labcorp Genetics (formerly Invitae), Labcorp
Classification: Uncertain significance. Last evaluated: 2022-12-27. Review status: criteria provided, single submitter. Criteria: Invitae Variant Classification Sherloc (09022015). Collection method: clinical testing. Allele origin: germline.
Comment: This sequence change replaces arginine, which is basic and polar, with cysteine, which is neutral and slightly polar, at codon 406 of the KRT17 protein (p.Arg406Cys). In summary, the available evidence is currently insufficient to determine the role of this variant in disease. Therefore, it has been classified as a Variant of Uncertain Significance. Algorithms developed to predict the effect of missense changes on protein structure and function are either unavailable or do not agree on the potential impact of this missense change (SIFT: "Deleterious"; PolyPhen-2: "Benign"; Align-GVGD: "Class C0"). This variant has not been reported in the literature in individuals affected with KRT17-related conditions. This variant is present in population databases (rs777503614, gnomAD 0.005%).

NM_000422.3(KRT17):c.1216C>T (p.Arg406Cys)

Gene: KRT17 (keratin 17; minus strand). Cytogenetic location: 17q21.2.
Variant type: single nucleotide variant.
Coding change: c.1216C>T on transcript NM_000422.3 (MANE Select); coding-DNA position 1216, C replaced by T.
Protein change: p.Arg406Cys; replaces arginine 406 with cysteine.
Molecular consequence: missense variant.
Genome position (GRCh38, 1-based): chr17:41,619,677, G>A on the plus strand (C>T on the coding strand, the complement: KRT17 is on the minus strand). VCF-style: chr17-41619677-G-A. GRCh37 (hg19) VCF-style: chr17-39775929-G-A.
Other names: c.1216C>T (NM_000422.2); short protein forms R406C.
Identifiers: ClinVar variation 2973352 (VCV002973352.4), dbSNP rs777503614, ClinGen allele CA8563426.